The following is an entry in ClinVar:

ClinVar aggregate classification (germline): Likely benign (1 of 4 stars; one submission).

Submission:

CeGaT Center for Human Genetics Tuebingen
Classification: Likely benign. Last evaluated: 2026-05-01. Review status: criteria provided, single submitter. Criteria: CeGaT Center For Human Genetics Tuebingen Variant Classification Criteria Version 2. Collection method: clinical testing. Allele origin: germline. Affected: yes. Observed: 1 variant allele.
Comment: BTBD17: PM2:Supporting, BP4, BP7

NM_001080466.2(BTBD17):c.789A>G (p.Ala263=)

Gene: BTBD17 (BTB domain containing 17; minus strand). Cytogenetic location: 17q25.1.
Variant type: single nucleotide variant.
Coding change: c.789A>G on transcript NM_001080466.2 (MANE Select); coding-DNA position 789, A replaced by G.
Protein change: p.Ala263=; no amino-acid change (alanine 263 retained).
Molecular consequence: synonymous variant.
Genome position (GRCh38, 1-based): chr17:74,357,305, T>C on the plus strand (A>G on the coding strand, the complement: BTBD17 is on the minus strand). VCF-style: chr17-74357305-T-C. GRCh37 (hg19) VCF-style: chr17-72353444-T-C.
Identifiers: ClinVar variation 4873345 (VCV004873345.2).